The following is an entry in ClinVar:

NM_020949.3(SLC7A14):c.508A>G (p.Met170Val)

Genes: SLC7A14 (solute carrier family 7 member 14; minus strand), SLC7A14-AS1 (SLC7A14 antisense RNA 1; plus strand). Cytogenetic location: 3q26.2.
Variant type: single nucleotide variant.
Coding change: c.508A>G on transcript NM_020949.3 (MANE Select); coding-DNA position 508, A replaced by G.
Protein change: p.Met170Val; replaces methionine 170 with valine.
Molecular consequence: missense variant.
Genome position (GRCh38, 1-based): chr3:170,501,142, T>C on the plus strand (A>G on the coding strand, the complement: SLC7A14 is on the minus strand). VCF-style: chr3-170501142-T-C. GRCh37 (hg19) VCF-style: chr3-170218931-T-C.
Other names: short protein forms M170V.
Identifiers: ClinVar variation 1420942 (VCV001420942.9), dbSNP rs749540732, ClinGen allele CA2701921.

ClinVar aggregate classification (germline): Uncertain significance. Review status: criteria provided, multiple submitters, no conflicts (2 of 4 stars). 2 submissions from 2 submitters: Uncertain significance (2). Last evaluated 2025-09-16.

Allele frequency attached by ClinVar (database versions not stated): ExAC 0.00002; gnomAD 0.00002; gnomAD exomes 0.00002 and 0.00007.

Submissions (2):

Labcorp Genetics (formerly Invitae), Labcorp
Classification: Uncertain significance. Last evaluated: 2025-09-16. Review status: criteria provided, single submitter. Criteria: Invitae Variant Classification Sherloc (09022015). Collection method: clinical testing. Allele origin: germline.
Comment: This sequence change replaces methionine, which is neutral and non-polar, with valine, which is neutral and non-polar, at codon 170 of the SLC7A14 protein (p.Met170Val). This variant is present in population databases (rs749540732, gnomAD 0.005%). This variant has not been reported in the literature in individuals affected with SLC7A14-related conditions. ClinVar contains an entry for this variant (Variation ID: 1420942). An algorithm developed to predict the effect of missense changes on protein structure and function (PolyPhen-2) suggests that this variant is likely to be tolerated. In summary, the available evidence is currently insufficient to determine the role of this variant in disease. Therefore, it has been classified as a Variant of Uncertain Significance.

Blueprint Genetics
Classification: Uncertain significance. Last evaluated: 2022-08-22. Review status: criteria provided, single submitter. Criteria: ACMG Guidelines, 2015. Collection method: clinical testing. Allele origin: germline.